The following is an entry in ClinVar:

ClinVar aggregate classification (germline): Uncertain significance (1 of 4 stars; one submission).

Allele frequency attached by ClinVar (database versions not stated): gnomAD exomes below 0.00001; gnomAD 0.00001.

Submission:

Labcorp Genetics (formerly Invitae), Labcorp
Classification: Uncertain significance. Last evaluated: 2022-07-12. Review status: criteria provided, single submitter. Criteria: Invitae Variant Classification Sherloc (09022015). Collection method: clinical testing. Allele origin: germline.
Comment: This sequence change replaces leucine, which is neutral and non-polar, with valine, which is neutral and non-polar, at codon 1648 of the HTT protein (p.Leu1648Val). This variant is present in population databases (no rsID available, gnomAD 0.02%). This variant has not been reported in the literature in individuals affected with HTT-related conditions. ClinVar contains an entry for this variant (Variation ID: 1524505). Experimental studies and prediction algorithms are not available or were not evaluated, and the functional significance of this variant is currently unknown. In summary, the available evidence is currently insufficient to determine the role of this variant in disease. Therefore, it has been classified as a Variant of Uncertain Significance.

NM_001388492.1(HTT):c.4936C>G (p.Leu1646Val)

Gene: HTT (huntingtin; plus strand). Cytogenetic location: 4p16.3.
Variant type: single nucleotide variant.
Coding change: c.4936C>G on transcript NM_001388492.1 (MANE Select); coding-DNA position 4936, C replaced by G.
Protein change: p.Leu1646Val; replaces leucine 1646 with valine.
Molecular consequence: missense variant.
Genome position (GRCh38, 1-based): chr4:3,186,666, C>G. VCF-style: chr4-3186666-C-G. GRCh37 (hg19) VCF-style: chr4-3188393-C-G.
Other names: c.4942C>G, p.Leu1648Val (NM_002111.8); short protein forms L1648V, L1646V.
Identifiers: ClinVar variation 1524505 (VCV001524505.6), dbSNP rs1263181972, ClinGen allele CA356071675.
Genomic context (GRCh38, chr4:3,186,666, plus strand): 5'-GACTCTCATGAAGCCCTTGGAGTGTTAAATACATTATTTGAGATTTTGGCCCCTTCCTCC[C>G]TCCGTCCGGTAGACATGCTTTTACGGAGTATGTTCGTCACTCCAAACACAATGGTGAGTC-3'
Protein context (NP_001375421.1, residues 1636-1656): TLFEILAPSS[Leu1646Val]RPVDMLLRSM